The following is an entry in ClinVar:

NM_002474.3(MYH11):c.2216G>C (p.Gly739Ala)

Gene: MYH11 (myosin heavy chain 11; minus strand). Cytogenetic location: 16p13.11.
Variant type: single nucleotide variant.
Coding change: c.2216G>C on transcript NM_002474.3 (MANE Select); coding-DNA position 2216, G replaced by C.
Protein change: p.Gly739Ala; replaces glycine 739 with alanine.
Molecular consequence: missense variant.
Genome position (GRCh38, 1-based): chr16:15,747,908, C>G on the plus strand (G>C on the coding strand, the complement: MYH11 is on the minus strand). VCF-style: chr16-15747908-C-G. GRCh37 (hg19) VCF-style: chr16-15841765-C-G.
Other names: c.2216G>C (NM_002474.2); c.2237G>C, p.Gly746Ala (NM_001040113.2, NM_001040114.2); c.2216G>C, p.Gly739Ala (NM_022844.3); short protein forms G739A, G746A.
Identifiers: ClinVar variation 923123 (VCV000923123.10), dbSNP rs771806682, ClinGen allele CA7922349.

ClinVar aggregate classification (germline): Uncertain significance. Review status: criteria provided, multiple submitters, no conflicts (2 of 4 stars). 4 submissions from 4 submitters: Uncertain significance (4). Last evaluated 2025-12-18.

Conditions:
Familial thoracic aortic aneurysm and aortic dissection (TAAD). Also called: Thoracic aortic aneurysms and dissections. Identifiers: Orphanet 91387, MedGen C4707243, MONDO:0019625.
Aortic aneurysm, familial thoracic 4 (AAT4). Also called: AORTIC ANEURYSM/AORTIC DISSECTION AND PATENT DUCTUS ARTERIOSUS. Identifiers: MedGen C1851504, MONDO:0007568, OMIM 132900.

Allele frequency attached by ClinVar (database versions not stated): ExAC 0.00001; TOPMed 0.00001.
gnomAD v4.1: 6 of 1,613,824 alleles (0.00037%); highest among the groups gnomAD compares: Non-Finnish European, 0.00042%; no homozygotes.

Submissions (4):

Labcorp Genetics (formerly Invitae), Labcorp
Classification: Uncertain significance for Aortic aneurysm, familial thoracic 4. Last evaluated: 2025-12-18. Review status: criteria provided, single submitter. Criteria: Invitae Variant Classification Sherloc (09022015). Collection method: clinical testing. Allele origin: germline.
Comment: This sequence change replaces glycine, which is neutral and non-polar, with alanine, which is neutral and non-polar, at codon 746 of the MYH11 protein (p.Gly746Ala). This variant is present in population databases (rs771806682, gnomAD 0.0009%). This variant has not been reported in the literature in individuals affected with MYH11-related conditions. ClinVar contains an entry for this variant (Variation ID: 923123). Invitae Evidence Modeling of protein sequence and biophysical properties (such as structural, functional, and spatial information, amino acid conservation, physicochemical variation, residue mobility, and thermodynamic stability) indicates that this missense variant is not expected to disrupt MYH11 protein function with a negative predictive value of 95%. In summary, the available evidence is currently insufficient to determine the role of this variant in disease. Therefore, it has been classified as a Variant of Uncertain Significance.

All of Us Research Program, National Institutes of Health
Classification: Uncertain significance for Familial thoracic aortic aneurysm and aortic dissection. Last evaluated: 2024-07-29. Review status: criteria provided, single submitter. Criteria: ACMG Guidelines, 2015. Collection method: clinical testing. Allele origin: germline. Inheritance: Autosomal dominant inheritance. Observed: 2 variant alleles, 2 heterozygotes.
Comment: This missense variant replaces glycine with alanine at codon 746 of the MYH11 protein. Computational prediction suggests that this variant may have deleterious impact on protein structure and function (internally defined REVEL score threshold >= 0.7, PMID: 27666373). To our knowledge, functional studies have not been reported for this variant. This variant has not been reported in individuals affected with MYH11-related disorders in the literature. This variant has been identified in 1/251482 chromosomes in the general population by the Genome Aggregation Database (gnomAD). The available evidence is insufficient to determine the role of this variant in disease conclusively. Therefore, this variant is classified as a Variant of Uncertain Significance.

This study involves interpretation of variants in research participants for the purpose of population health screening. Participant phenotype was not available at the time of variant classification. Additional details can be found in publication PMID: 35346344, PMCID: PMC8962531

Color Diagnostics, LLC DBA Color Health
Classification: Uncertain significance for Familial thoracic aortic aneurysm and aortic dissection. Last evaluated: 2024-06-26. Review status: criteria provided, single submitter. Criteria: ACMG Guidelines, 2015. Collection method: clinical testing. Allele origin: germline.
Comment: This missense variant replaces glycine with alanine at codon 746 of the MYH11 protein. Computational prediction tools indicate that this variant has a deleterious impact on protein structure and function. To our knowledge, functional studies have not been reported for this variant. This variant has not been reported in individuals affected with MYH11-related disorders in the literature. This variant has been identified in 1/251482 chromosomes in the general population by the Genome Aggregation Database (gnomAD). The available evidence is insufficient to determine the role of this variant in disease conclusively. Therefore, this variant is classified as a Variant of Uncertain Significance.

GeneDx
Classification: Uncertain significance. Last evaluated: 2024-01-30. Review status: criteria provided, single submitter. Criteria: GeneDx Variant Classification Process June 2021. Collection method: clinical testing. Allele origin: germline. Affected: yes.
Comment: Not observed at significant frequency in large population cohorts (gnomAD); In silico analysis supports that this missense variant has a deleterious effect on protein structure/function; Has not been previously published as pathogenic or benign to our knowledge